The following is an entry in ClinVar:

NM_000057.4(BLM):c.3502A>C (p.Ile1168Leu)

Gene: BLM (BLM RecQ like helicase; plus strand). Cytogenetic location: 15q26.1.
Variant type: single nucleotide variant.
Coding change: c.3502A>C on transcript NM_000057.4 (MANE Select); coding-DNA position 3502, A replaced by C.
Protein change: p.Ile1168Leu; replaces isoleucine 1168 with leucine.
Molecular consequence: missense variant. On other transcripts: intron variant (1).
Genome position (GRCh38, 1-based): chr15:90,803,664, A>C. VCF-style: chr15-90803664-A-C. GRCh37 (hg19) VCF-style: chr15-91346894-A-C.
Other names: c.3502A>C, p.Ile1168Leu (NM_001287246.2); c.2377A>C, p.Ile793Leu (NM_001287248.2); c.3358+5327A>C (NM_001287247.2); short protein forms I1168L, I793L.
Identifiers: ClinVar variation 4743732 (VCV004743732.1).

ClinVar aggregate classification (germline): Uncertain significance (1 of 4 stars; one submission).

Conditions:
Bloom syndrome (BLM). Also called: Bloom-Torre-Machacek syndrome. Identifiers: Orphanet 125, MedGen C0005859, MONDO:0008876, OMIM 210900.

Submission:

Labcorp Genetics (formerly Invitae), Labcorp
Classification: Uncertain significance for Bloom syndrome. Last evaluated: 2025-10-09. Review status: criteria provided, single submitter. Criteria: Invitae Variant Classification Sherloc (09022015). Collection method: clinical testing. Allele origin: germline.
Comment: This sequence change replaces isoleucine, which is neutral and non-polar, with leucine, which is neutral and non-polar, at codon 1168 of the BLM protein (p.Ile1168Leu). This variant is not present in population databases (gnomAD no frequency). This variant has not been reported in the literature in individuals affected with BLM-related conditions. Invitae Evidence Modeling of protein sequence and biophysical properties (such as structural, functional, and spatial information, amino acid conservation, physicochemical variation, residue mobility, and thermodynamic stability) indicates that this missense variant is not expected to disrupt BLM protein function with a negative predictive value of 80%. In summary, the available evidence is currently insufficient to determine the role of this variant in disease. Therefore, it has been classified as a Variant of Uncertain Significance.